The following is an entry in ClinVar:

ClinVar aggregate classification (germline): Likely benign (1 of 4 stars; one submission).

Submission:

CeGaT Center for Human Genetics Tuebingen
Classification: Likely benign. Last evaluated: 2026-06-01. Review status: criteria provided, single submitter. Criteria: CeGaT Center For Human Genetics Tuebingen Variant Classification Criteria Version 2. Collection method: clinical testing. Allele origin: germline. Affected: yes. Observed: 1 variant allele.
Comment: FCGBP: BP4, BP7

NM_003890.3(FCGBP):c.9288T>C (p.His3096=)

Gene: FCGBP (Fc gamma binding protein; minus strand). Cytogenetic location: 19q13.2.
Variant type: single nucleotide variant.
Coding change: c.9288T>C on transcript NM_003890.3 (MANE Select); coding-DNA position 9288, T replaced by C.
Protein change: p.His3096=; no amino-acid change (histidine 3096 retained).
Molecular consequence: synonymous variant.
Genome position (GRCh38, 1-based): chr19:39,894,076, A>G on the plus strand (T>C on the coding strand, the complement: FCGBP is on the minus strand). VCF-style: chr19-39894076-A-G. GRCh37 (hg19) VCF-style: chr19-40384716-A-G.
Identifiers: ClinVar variation 4873961 (VCV004873961.2).
Genomic context (GRCh38, chr19:39,894,076, plus strand): 5'-GTCCCCACCACCCATGCAGACGTCCAGAACACAGCCCTTGAAGAAGCTCTCAGGTGGCAC[A>G]TGAGCATGGCAGGTGGTGAAAGGGCCCCCTGTGCCGGGGGCCAGGGGTCCGCAGAAGCCA-3'
Protein context (NP_003881.2, residues 3086-3106): TGGPFTTCHA[His3096=]VPPESFFKGC